The following is an entry in ClinVar:

NM_000454.5(SOD1):c.194T>G (p.Phe65Cys)

Gene: SOD1 (superoxide dismutase 1; plus strand). Cytogenetic location: 21q22.11.
Variant type: single nucleotide variant.
Coding change: c.194T>G on transcript NM_000454.5 (MANE Select); coding-DNA position 194, T replaced by G.
Protein change: p.Phe65Cys; replaces phenylalanine 65 with cysteine.
Molecular consequence: missense variant.
Genome position (GRCh38, 1-based): chr21:31,666,473, T>G. VCF-style: chr21-31666473-T-G. GRCh37 (hg19) VCF-style: chr21-33038786-T-G.
Other names: p.Phe65Cys.
Identifiers: ClinVar variation 3778879 (VCV003778879.1).

ClinVar aggregate classification (germline): Likely pathogenic (1 of 4 stars; one submission).

Conditions:
Amyotrophic lateral sclerosis type 1 (ALS1). Also called: AMYOTROPHIC LATERAL SCLEROSIS 1, FAMILIAL. Identifiers: Orphanet 803, MedGen C1862939, MONDO:0007103, OMIM 105400.

Submission:

Human Genome Lab, NIMHANS, National Institute of Mental Health and Neuro Sciences
Classification: Likely pathogenic for Amyotrophic lateral sclerosis type 1. Last evaluated: 2025-04-17. Review status: criteria provided, single submitter. Criteria: ACMG Guidelines, 2015. Collection method: clinical testing. Allele origin: germline. Inheritance: Autosomal dominant inheritance. Affected: yes. Observed: 1 heterozygote.
Comment: The SOD1 gene encodes superoxide dismutase-1, a cytoplasmic antioxidant enzyme that metabolizes superoxide radicals to molecular oxygen and hydrogen peroxide, thus providing a defense against oxygen toxicity. The novel genomic variant c.194T>G in the SOD1 gene results in the substitution of phenylalanine with cysteine at the 65th amino acid position of the encoded protein, denoted as p.Phe65Cys. This missense mutation involves the replacement of a non-polar, aromatic amino acid with a polar, uncharged amino acid (cysteine), which may affect the protein's structure and function due to the distinct chemical properties of these residues. The variant is not found in gnomad 4.1 joint database. The reference nucleotide is conserved across vertebrates. The variant is predicted to be damaging in multiple tools such as CADD 1.7, SIFT, PolyPHen2, M-CAP etc.